The following is an entry in ClinVar:

ClinVar aggregate classification (germline): Uncertain significance (0 of 4 stars; one submission).

Conditions:
ZMIZ1-related disorder. Also called: ZMIZ1-related condition.

Allele frequency attached by ClinVar (database versions not stated): gnomAD exomes below 0.00001; ExAC 0.00001.
gnomAD v4.1: 4 of 1,610,934 alleles (0.00025%); highest among the groups gnomAD compares: Non-Finnish European, 0.00034%; no homozygotes.

Submission:

PreventionGenetics, part of Exact Sciences
Classification: Uncertain significance for ZMIZ1-related condition. Last evaluated: 2024-01-02. Review status: no assertion criteria provided. Collection method: clinical testing. Allele origin: germline.
Comment: The ZMIZ1 c.2002G>A variant is predicted to result in the amino acid substitution p.Val668Ile. To our knowledge, this variant has not been reported in the literature or in a large population database, indicating this variant is rare. At this time, the clinical significance of this variant is uncertain due to the absence of conclusive functional and genetic evidence.

NM_020338.4(ZMIZ1):c.2002G>A (p.Val668Ile)

Gene: ZMIZ1 (zinc finger MIZ-type containing 1; plus strand). Cytogenetic location: 10q22.3.
Variant type: single nucleotide variant.
Coding change: c.2002G>A on transcript NM_020338.4 (MANE Select); coding-DNA position 2002, G replaced by A.
Protein change: p.Val668Ile; replaces valine 668 with isoleucine.
Molecular consequence: missense variant.
Genome position (GRCh38, 1-based): chr10:79,300,925, G>A. VCF-style: chr10-79300925-G-A. GRCh37 (hg19) VCF-style: chr10-81060682-G-A.
Other names: short protein forms V668I.
Identifiers: ClinVar variation 3061713 (VCV003061713.2), dbSNP rs776428250, ClinGen allele CA5572863.
Genomic context (GRCh38, chr10:79,300,925, plus strand): 5'-CACAAGCCCCTGCACCTGAAGCACGTGTGCCAGCCGGGCCGCAACACCATCCAGATCACC[G>A]TCACGGCCTGCTGCTGCGTGAGTGTGGTGGGCCAGGGGCAGCGTTGGCACAGGCAGGCCC-3'
Protein context (NP_065071.1, residues 658-678): QPGRNTIQIT[Val668Ile]TACCCSHLFV